The following is an entry in ClinVar:

ClinVar aggregate classification (germline): Pathogenic (1 of 4 stars; one submission).

Conditions:
Monocytopenia with susceptibility to infections. Also called: MONOCYTOPENIA AND MYCOBACTERIAL INFECTION SYNDROME; MONOCYTOPENIA WITH SUSCEPTIBILITY TO MYCOBACTERIAL, FUNGAL, AND PAPILLOMAVIRUS INFECTIONS AND MYELODYSPLASIA; COMBINED IMMUNODEFICIENCY WITH SUSCEPTIBILITY TO MYCOBACTERIAL, VIRAL, AND FUNGAL INFECTIONS; Dendritic cell, monocyte, B lymphocyte, and natural killer lymphocyte deficiency; IMMUNODEFICIENCY 21; GATA2 DEFICIENCY. Identifiers: Orphanet 228423, MedGen C3280030, MONDO:0013607, OMIM 614172.
Deafness-lymphedema-leukemia syndrome. Also called: Emberger syndrome; Lymphedema, primary, with myelodysplasia. Identifiers: Orphanet 3226, MedGen C3279664, MONDO:0013540, OMIM 614038.

Submission:

Labcorp Genetics (formerly Invitae), Labcorp
Classification: Pathogenic for Monocytopenia with susceptibility to infections; Deafness-lymphedema-leukemia syndrome. Last evaluated: 2020-08-10. Review status: criteria provided, single submitter. Criteria: Invitae Variant Classification Sherloc (09022015). Collection method: clinical testing. Allele origin: germline.
Comment: This variant has not been reported in the literature in individuals with GATA2-related conditions. This sequence change creates a premature translational stop signal (p.Gly147Trpfs*38) in the GATA2 gene. It is expected to result in an absent or disrupted protein product. This variant is not present in population databases (ExAC no frequency). Loss-of-function variants in GATA2 are known to be pathogenic (PMID: 21670465, 23223431). For these reasons, this variant has been classified as Pathogenic.

Literature cited by the submitters: PubMed 21670465; PubMed 23223431.

NM_032638.5(GATA2):c.437dup (p.Gly147fs)

Gene: GATA2 (GATA binding protein 2; minus strand). Cytogenetic location: 3q21.3.
Variant type: Duplication.
Coding change: c.437dup on transcript NM_032638.5 (MANE Select); coding-DNA position 437, one base duplicated (G; older notation c.437dupG).
Protein change: p.Gly147fs; shifts the reading frame from glycine 147.
Molecular consequence: frameshift variant.
Genome position (GRCh38, 1-based): chr3:128,486,161, C duplicated on the plus strand (G on the coding strand, the reverse complement: GATA2 is on the minus strand); the first of 5 consecutive C bases (chr3:128,486,161-128,486,165); duplicating any one gives the same sequence. VCF-style (leftmost placement, unchanged base first): chr3-128486160-A-AC. GRCh37 (hg19) VCF-style: chr3-128205003-A-AC.
Other names: c.437dup, p.Gly147fs (NM_001145661.2, NM_001145662.1); short protein forms G147fs.
Identifiers: ClinVar variation 1069970 (VCV001069970.7), dbSNP rs2107672654, ClinGen allele CA2499216467.